The following is an entry in ClinVar:

ClinVar aggregate classification (germline): Benign/Likely benign. Review status: criteria provided, multiple submitters, no conflicts (2 of 4 stars). 4 submissions from 4 submitters: Benign (1); Likely benign (3). Last evaluated 2024-05-16.

Conditions:
Hereditary cancer-predisposing syndrome. Also called: Hereditary Cancer Syndrome; Neoplastic Syndromes, Hereditary; Tumor predisposition; Hereditary neoplastic syndrome. Identifiers: Orphanet 140162, MedGen C0027672, MeSH D009386, MONDO:0015356.
Familial cancer of breast. Also called: Hereditary breast cancer; hereditary breast carcinoma; BREAST CANCER, FAMILIAL. Identifiers: Orphanet 227535, MedGen C0346153, MONDO:0016419, OMIM 114480. Disease mechanism: loss of function.
Ataxia-telangiectasia syndrome (AT). Also called: Ataxia telangiectasia (A-T); Ataxia-telangiectasia, complementation group E; LOUIS-BAR SYNDROME; Cerebello-oculocutaneous telangiectasia; Immunodeficiency with ataxia telangiectasia; Ataxia-telangiectasia, complementation group D. Identifiers: Orphanet 100, MedGen C0004135, MONDO:0008840, OMIM 208900.

Allele frequency attached by ClinVar (database versions not stated): TOPMed below 0.00001.

Submissions (4):

Myriad Genetics, Inc.
Classification: Benign for Familial cancer of breast. Last evaluated: 2024-05-16. Review status: criteria provided, single submitter. Criteria: Myriad Autosomal Dominant, Autosomal Recessive and X-Linked Classification Criteria (2023). Collection method: clinical testing. Allele origin: unknown.
Comment: This variant is considered benign. This variant is a silent/synonymous amino acid change and it is not expected to impact splicing.

Labcorp Genetics (formerly Invitae), Labcorp
Classification: Likely benign for Ataxia-telangiectasia syndrome. Last evaluated: 2022-09-14. Review status: criteria provided, single submitter. Criteria: Invitae Variant Classification Sherloc (09022015). Collection method: clinical testing. Allele origin: germline.

Color Diagnostics, LLC DBA Color Health
Classification: Likely benign for Hereditary cancer-predisposing syndrome. Last evaluated: 2019-09-19. Review status: criteria provided, single submitter. Criteria: ACMG Guidelines, 2015. Collection method: clinical testing. Allele origin: germline.

Ambry Genetics
Classification: Likely benign for Hereditary cancer-predisposing syndrome. Last evaluated: 2015-03-05. Review status: criteria provided, single submitter. Criteria: Ambry Variant Classification Scheme 2023. Collection method: clinical testing. Allele origin: germline.

NM_000051.4(ATM):c.4209C>T (p.Ser1403=)

Gene: ATM (ATM serine/threonine kinase; plus strand). Cytogenetic location: 11q22.3.
Variant type: single nucleotide variant.
Coding change: c.4209C>T on transcript NM_000051.4 (MANE Select); coding-DNA position 4209, C replaced by T.
Protein change: p.Ser1403=; no amino-acid change (serine 1403 retained).
Molecular consequence: synonymous variant.
Genome position (GRCh38, 1-based): chr11:108,289,076, C>T. VCF-style: chr11-108289076-C-T. GRCh37 (hg19) VCF-style: chr11-108159803-C-T.
Other names: c.4209C>T, p.Ser1403= (NM_001351834.2).
Identifiers: ClinVar variation 230676 (VCV000230676.14), dbSNP rs876658701, ClinGen allele CA10579138.